The following is an entry in ClinVar:

ClinVar aggregate classification (germline): Uncertain significance (1 of 4 stars; one submission).

Conditions:
Hypertrophic cardiomyopathy. Also called: HYPERTROPHIC MYOCARDIOPATHY. Identifiers: Orphanet 217569, MedGen C0007194, MeSH D002312, MONDO:0005045, HP:0001639.

Submission:

Labcorp Genetics (formerly Invitae), Labcorp
Classification: Uncertain significance for Hypertrophic cardiomyopathy. Last evaluated: 2022-02-09. Review status: criteria provided, single submitter. Criteria: Invitae Variant Classification Sherloc (09022015). Collection method: clinical testing. Allele origin: germline.
Comment: In summary, the available evidence is currently insufficient to determine the role of this variant in disease. Therefore, it has been classified as a Variant of Uncertain Significance. This variant is found within a region of MYH7 between codons 181 and 937 that contains the majority of the myosin head domain. Missense variants in this region have been shown to be significantly overrepresented in individuals with hypertrophic cardiomyopathy (PMID: 27532257). Algorithms developed to predict the effect of missense changes on protein structure and function (SIFT, PolyPhen-2, Align-GVGD) all suggest that this variant is likely to be disruptive. This variant has not been reported in the literature in individuals affected with MYH7-related conditions. This variant is not present in population databases (gnomAD no frequency). This sequence change replaces tyrosine, which is neutral and polar, with histidine, which is basic and polar, at codon 722 of the MYH7 protein (p.Tyr722His).

Literature cited by the submitters: PubMed 27532257.

NM_000257.4(MYH7):c.2164T>C (p.Tyr722His)

Gene: MYH7 (myosin heavy chain 7; minus strand). Cytogenetic location: 14q11.2.
Variant type: single nucleotide variant.
Coding change: c.2164T>C on transcript NM_000257.4 (MANE Select); coding-DNA position 2164, T replaced by C.
Protein change: p.Tyr722His; replaces tyrosine 722 with histidine.
Molecular consequence: missense variant.
Genome position (GRCh38, 1-based): chr14:23,425,817, A>G on the plus strand (T>C on the coding strand, the complement: MYH7 is on the minus strand). VCF-style: chr14-23425817-A-G. GRCh37 (hg19) VCF-style: chr14-23895026-A-G.
Other names: c.2164T>C, p.Tyr722His (NM_001407004.1); short protein forms Y722H.
Identifiers: ClinVar variation 2095438 (VCV002095438.4), dbSNP rs2502288557, ClinGen allele CA389048991.